The following is an entry in ClinVar:

NM_005733.3(KIF20A):c.971G>A (p.Arg324His)

Gene: KIF20A (kinesin family member 20A; plus strand). Cytogenetic location: 5q31.2.
Variant type: single nucleotide variant.
Coding change: c.971G>A on transcript NM_005733.3 (MANE Select); coding-DNA position 971, G replaced by A.
Protein change: p.Arg324His; replaces arginine 324 with histidine.
Molecular consequence: missense variant.
Genome position (GRCh38, 1-based): chr5:138,183,307, G>A. VCF-style: chr5-138183307-G-A. GRCh37 (hg19) VCF-style: chr5-137518996-G-A.
Other names: c.971G>A (NM_005733.2); short protein forms R324H.
Identifiers: ClinVar variation 1431455 (VCV001431455.9), dbSNP rs368663116, ClinGen allele CA3426451.

ClinVar aggregate classification (germline): Uncertain significance. Review status: criteria provided, multiple submitters, no conflicts (2 of 4 stars). 2 submissions from 2 submitters: Uncertain significance (2). Last evaluated 2025-12-04.

Allele frequency attached by ClinVar (database versions not stated): ExAC 0.00003; gnomAD exomes 0.00004; TOPMed 0.00011.
gnomAD v4.1: 33 of 1,614,082 alleles (0.002%); highest among the groups gnomAD compares: African/African-American, 0.023%; no homozygotes.

Submissions (2):

Labcorp Genetics (formerly Invitae), Labcorp
Classification: Uncertain significance. Last evaluated: 2025-12-04. Review status: criteria provided, single submitter. Criteria: Invitae Variant Classification Sherloc (09022015). Collection method: clinical testing. Allele origin: germline.
Comment: This sequence change replaces arginine, which is basic and polar, with histidine, which is basic and polar, at codon 324 of the KIF20A protein (p.Arg324His). This variant is present in population databases (rs368663116, gnomAD 0.04%). This variant has not been reported in the literature in individuals affected with KIF20A-related conditions. ClinVar contains an entry for this variant (Variation ID: 1431455). An algorithm developed to predict the effect of missense changes on protein structure and function outputs the following: PolyPhen-2: "Benign". The histidine amino acid residue is found in multiple mammalian species, which suggests that this missense change does not adversely affect protein function. In summary, the available evidence is currently insufficient to determine the role of this variant in disease. Therefore, it has been classified as a Variant of Uncertain Significance.

Ambry Genetics
Classification: Uncertain significance. Last evaluated: 2024-03-15. Review status: criteria provided, single submitter. Criteria: Ambry Variant Classification Scheme 2023. Collection method: clinical testing. Allele origin: germline.